The following is an entry in ClinVar:

ClinVar aggregate classification (germline): Uncertain significance. Review status: criteria provided, multiple submitters, no conflicts (2 of 4 stars). 2 submissions from 2 submitters: Uncertain significance (2). Last evaluated 2022-07-15.

Allele frequency attached by ClinVar (database versions not stated): gnomAD exomes 0.00001; ExAC 0.00002; ESP Exome Variant Server 0.00008; gnomAD 0.00010; 1000 Genomes Project 30x 0.00016; 1000 Genomes Project 0.00020; TOPMed 0.00020.
gnomAD v4.1: 30 of 1,566,922 alleles (0.0019%); highest among the groups gnomAD compares: African/African-American, 0.018%; no homozygotes.

Submissions (2):

GeneDx
Classification: Uncertain significance. Last evaluated: 2022-07-15. Review status: criteria provided, single submitter. Criteria: GeneDx Variant Classification Process June 2021. Collection method: clinical testing. Allele origin: germline. Affected: yes.
Comment: In silico analysis supports that this missense variant has a deleterious effect on protein structure/function; Has not been previously published as pathogenic or benign to our knowledge; Variants in candidate genes are classified as variants of uncertain significance in accordance with ACMG guidelines (Richards et al., 2015)

Ambry Genetics
Classification: Uncertain significance. Last evaluated: 2021-08-04. Review status: criteria provided, single submitter. Criteria: Ambry Variant Classification Scheme 2023. Collection method: clinical testing. Allele origin: germline.

NM_018897.3(DNAH7):c.4642T>C (p.Phe1548Leu)

Gene: DNAH7 (dynein axonemal heavy chain 7; minus strand). Cytogenetic location: 2q32.3.
Variant type: single nucleotide variant.
Coding change: c.4642T>C on transcript NM_018897.3 (MANE Select); coding-DNA position 4642, T replaced by C.
Protein change: p.Phe1548Leu; replaces phenylalanine 1548 with leucine.
Molecular consequence: missense variant.
Genome position (GRCh38, 1-based): chr2:195,897,672, A>G on the plus strand (T>C on the coding strand, the complement: DNAH7 is on the minus strand). VCF-style: chr2-195897672-A-G. GRCh37 (hg19) VCF-style: chr2-196762396-A-G.
Other names: short protein forms F1548L.
Identifiers: ClinVar variation 2408502 (VCV002408502.3), dbSNP rs368179288, ClinGen allele CA2035647.